The following is an entry in ClinVar:

NM_012414.4(RAB3GAP2):c.1994A>C (p.Asp665Ala)

Gene: RAB3GAP2 (RAB3 GTPase activating non-catalytic protein subunit 2; minus strand). Cytogenetic location: 1q41.
Variant type: single nucleotide variant.
Coding change: c.1994A>C on transcript NM_012414.4 (MANE Select); coding-DNA position 1994, A replaced by C.
Protein change: p.Asp665Ala; replaces aspartic acid 665 with alanine.
Molecular consequence: missense variant.
Genome position (GRCh38, 1-based): chr1:220,184,040, T>G on the plus strand (A>C on the coding strand, the complement: RAB3GAP2 is on the minus strand). VCF-style: chr1-220184040-T-G. GRCh37 (hg19) VCF-style: chr1-220357382-T-G.
Other names: short protein forms D665A.
Identifiers: ClinVar variation 1311233 (VCV001311233.2), dbSNP rs368311514, ClinGen allele CA344643243.

ClinVar aggregate classification (germline): Uncertain significance (1 of 4 stars; one submission).

Allele frequency attached by ClinVar (database versions not stated): gnomAD exomes 0.00001.
gnomAD v4.1: 15 of 1,562,642 alleles (0.00096%); highest among the groups gnomAD compares: Non-Finnish European, 0.0013%; no homozygotes.

Submission:

GeneDx
Classification: Uncertain significance. Last evaluated: 2019-12-18. Review status: criteria provided, single submitter. Criteria: GeneDx Variant Classification Process June 2021. Collection method: clinical testing. Allele origin: germline. Affected: yes.
Comment: Not observed at a significant frequency in large population cohorts (Lek et al., 2016); In silico analysis, which includes protein predictors and evolutionary conservation, supports that this variant does not alter protein structure/function; Has not been previously published as pathogenic or benign to our knowledge